The following is an entry in ClinVar:

NM_001379500.1(COL18A1):c.798G>A (p.Thr266=)

Gene: COL18A1 (collagen type XVIII alpha 1 chain; plus strand). Cytogenetic location: 21q22.3.
Variant type: single nucleotide variant.
Coding change: c.798G>A on transcript NM_001379500.1 (MANE Select); coding-DNA position 798, G replaced by A.
Protein change: p.Thr266=; no amino-acid change (threonine 266 retained).
Molecular consequence: synonymous variant.
Genome position (GRCh38, 1-based): chr21:45,475,535, G>A. VCF-style: chr21-45475535-G-A. GRCh37 (hg19) VCF-style: chr21-46895449-G-A.
Other names: c.1338G>A, p.Thr446= (NM_030582.4); c.2043G>A, p.Thr681= (NM_130444.3).
Identifiers: ClinVar variation 1505061 (VCV001505061.5), dbSNP rs527870177, ClinGen allele CA10065900.

ClinVar aggregate classification (germline): Uncertain significance (1 of 4 stars; one submission).

Allele frequency attached by ClinVar (database versions not stated): gnomAD exomes 0.00001; ExAC 0.00004; gnomAD 0.00004; TOPMed 0.00005; 1000 Genomes Project 30x 0.00016; 1000 Genomes Project 0.00020.
gnomAD v4.1: 20 of 1,605,212 alleles (0.0012%); highest among the groups gnomAD compares: Admixed American, 0.0085%; no homozygotes.

Submissions (2):

Labcorp Genetics (formerly Invitae), Labcorp
Classification: Uncertain significance. Last evaluated: 2024-01-08. Review status: criteria provided, single submitter. Criteria: Invitae Variant Classification Sherloc (09022015). Collection method: clinical testing. Allele origin: germline.
Comment: This sequence change affects codon 266 of the COL18A1 mRNA. It is a 'silent' change, meaning that it does not change the encoded amino acid sequence of the COL18A1 protein. This variant also falls at the last nucleotide of exon 5, which is part of the consensus splice site for this exon. The frequency data for this variant in the population databases is considered unreliable, as metrics indicate poor data quality at this position in the gnomAD database. This variant has not been reported in the literature in individuals affected with COL18A1-related conditions. ClinVar contains an entry for this variant (Variation ID: 1505061). Variants that disrupt the consensus splice site are a relatively common cause of aberrant splicing (PMID: 17576681, 9536098). Algorithms developed to predict the effect of sequence changes on RNA splicing suggest that this variant may disrupt the consensus splice site. In summary, the available evidence is currently insufficient to determine the role of this variant in disease. Therefore, it has been classified as a Variant of Uncertain Significance.

Dr. Peter K. Rogan Lab, Western University
No classification provided (evidence only). Condition: Malignant tumor of esophagus. Review status: no classification provided. Collection method: in vitro. Allele origin: not applicable. Functional consequence: skipped exon. Not counted in ClinVar's aggregate classification.

Literature cited by the submitters: PubMed 17576681 (cited by Labcorp Genetics (formerly Invitae), Labcorp); PubMed 9536098 (cited by Labcorp Genetics (formerly Invitae), Labcorp).